The following is an entry in ClinVar:

ClinVar aggregate classification (germline): Likely benign. Review status: criteria provided, multiple submitters, no conflicts (2 of 4 stars). 2 submissions from 2 submitters: Likely benign (2). Last evaluated 2022-11-29.

Conditions:
STT3B-congenital disorder of glycosylation. Also called: STT3B-CDG; CDG Ix; Congenital disorder of glycosylation type 1x. Identifiers: Orphanet 370924, MedGen C2931007, MONDO:0014271, OMIM 615597.

Allele frequency attached by ClinVar (database versions not stated): gnomAD exomes 0.00001 and 0.00003; ExAC 0.00005; gnomAD 0.00007; TOPMed 0.00015; 1000 Genomes Project 30x 0.00016; 1000 Genomes Project 0.00020; ESP Exome Variant Server 0.00023.
gnomAD v4.1: 31 of 1,577,940 alleles (0.002%); highest among the groups gnomAD compares: African/African-American, 0.039%; no homozygotes.

Submissions (2):

Labcorp Genetics (formerly Invitae), Labcorp
Classification: Likely benign for STT3B-congenital disorder of glycosylation. Last evaluated: 2022-11-29. Review status: criteria provided, single submitter. Criteria: Invitae Variant Classification Sherloc (09022015). Collection method: clinical testing. Allele origin: germline.

GeneDx
Classification: Likely benign. Last evaluated: 2018-04-27. Review status: criteria provided, single submitter. Criteria: GeneDx Variant Classification (06012015). Collection method: clinical testing. Allele origin: germline. Affected: yes.
Comment: This variant is considered likely benign or benign based on one or more of the following criteria: it is a conservative change, it occurs at a poorly conserved position in the protein, it is predicted to be benign by multiple in silico algorithms, and/or has population frequency not consistent with disease.

NM_178862.3(STT3B):c.2175T>C (p.Phe725=)

Gene: STT3B (STT3 oligosaccharyltransferase complex catalytic subunit B; plus strand). Cytogenetic location: 3p23.
Variant type: single nucleotide variant.
Coding change: c.2175T>C on transcript NM_178862.3 (MANE Select); coding-DNA position 2175, T replaced by C.
Protein change: p.Phe725=; no amino-acid change (phenylalanine 725 retained).
Molecular consequence: synonymous variant.
Genome position (GRCh38, 1-based): chr3:31,629,399, T>C. VCF-style: chr3-31629399-T-C. GRCh37 (hg19) VCF-style: chr3-31670891-T-C.
Identifiers: ClinVar variation 681955 (VCV000681955.4), dbSNP rs146718873, ClinGen allele CA2295359.
Genomic context (GRCh38, chr3:31,629,399, plus strand): 5'-CAAAGCAGGATCCCCTACTTTGTTGAATTGCCTTATGTATAAAATGTCATACTACAGATT[T>C]GGAGAAATGCAGGTTAGTTAAATCCATTTTTCTCTAATTTTCATTCAAAATAATGTTTAA-3'
Protein context (NP_849193.1, residues 715-735): CLMYKMSYYR[Phe725=]GEMQLDFRTP